The following is an entry in ClinVar:

NM_001042492.3(NF1):c.971G>A (p.Cys324Tyr)

Gene: NF1 (neurofibromin 1; plus strand). Cytogenetic location: 17q11.2.
Variant type: single nucleotide variant.
Coding change: c.971G>A on transcript NM_001042492.3 (MANE Select); coding-DNA position 971, G replaced by A.
Protein change: p.Cys324Tyr; replaces cysteine 324 with tyrosine.
Molecular consequence: missense variant.
Genome position (GRCh38, 1-based): chr17:31,200,504, G>A. VCF-style: chr17-31200504-G-A. GRCh37 (hg19) VCF-style: chr17-29527522-G-A.
Other names: c.971G>A, p.Cys324Tyr (NM_000267.4, NM_001128147.3); short protein forms C324Y.
Identifiers: ClinVar variation 1479798 (VCV001479798.6), dbSNP rs778890596, ClinGen allele CA398995985.

ClinVar aggregate classification (germline): Uncertain significance (1 of 4 stars; one submission).

Conditions:
Neurofibromatosis, type 1 (NF1). Also called: Neurofibromatosis, type I; VON RECKLINGHAUSEN DISEASE; NEUROFIBROMATOSIS, TYPE I, SOMATIC; Peripheral type neurofibromatosis. Identifiers: Orphanet 636, MedGen C0027831, MONDO:0018975, OMIM 162200. Disease mechanism: loss of function.

Submission:

Labcorp Genetics (formerly Invitae), Labcorp
Classification: Uncertain significance for Neurofibromatosis, type 1. Last evaluated: 2024-10-03. Review status: criteria provided, single submitter. Criteria: Invitae Variant Classification Sherloc (09022015). Collection method: clinical testing. Allele origin: germline.
Comment: This sequence change replaces cysteine, which is neutral and slightly polar, with tyrosine, which is neutral and polar, at codon 324 of the NF1 protein (p.Cys324Tyr). This variant is not present in population databases (gnomAD no frequency). This variant has not been reported in the literature in individuals affected with NF1-related conditions. ClinVar contains an entry for this variant (Variation ID: 1479798). Invitae Evidence Modeling of protein sequence and biophysical properties (such as structural, functional, and spatial information, amino acid conservation, physicochemical variation, residue mobility, and thermodynamic stability) has been performed for this missense variant. However, the output from this modeling did not meet the statistical confidence thresholds required to predict the impact of this variant on NF1 protein function. This variant disrupts the p.Cys324 amino acid residue in NF1. Other variant(s) that disrupt this residue have been determined to be pathogenic (PMID: 15060124; internal data). This suggests that this residue is clinically significant, and that variants that disrupt this residue are likely to be disease-causing. In summary, the available evidence is currently insufficient to determine the role of this variant in disease. Therefore, it has been classified as a Variant of Uncertain Significance.

Literature cited by the submitters: PubMed 15060124.